The following is an entry in ClinVar:

NM_030962.4(SBF2):c.2447T>C (p.Val816Ala)

Genes: SBF2 (SET binding factor 2; minus strand), LOC101928008 (uncharacterized LOC101928008; plus strand). Cytogenetic location: 11p15.4.
Variant type: single nucleotide variant.
Coding change: c.2447T>C on transcript NM_030962.4 (MANE Select); coding-DNA position 2447, T replaced by C.
Protein change: p.Val816Ala; replaces valine 816 with alanine.
Molecular consequence: missense variant.
Genome position (GRCh38, 1-based): chr11:9,853,629, A>G on the plus strand (T>C on the coding strand, the complement: SBF2 is on the minus strand). VCF-style: chr11-9853629-A-G. GRCh37 (hg19) VCF-style: chr11-9875176-A-G.
Other names: c.2447T>C, p.Val816Ala (NM_001386339.1); c.2318T>C, p.Val773Ala (NM_001386342.1); short protein forms V816A, V773A.
Identifiers: ClinVar variation 436641 (VCV000436641.9), dbSNP rs982821887, ClinGen allele CA217620766.

ClinVar aggregate classification (germline): Uncertain significance. Review status: criteria provided, multiple submitters, no conflicts (2 of 4 stars). 2 submissions from 2 submitters: Uncertain significance (2). Last evaluated 2021-11-14.

Conditions:
Charcot-Marie-Tooth disease type 4. Also called: Charcot-Marie-Tooth, Type 4; Charcot-Marie-Tooth disease, type IV. Identifiers: Orphanet 64749, MedGen C4082197, MONDO:0018995.

Allele frequency attached by ClinVar (database versions not stated): TOPMed 0.00002; gnomAD 0.00001; gnomAD exomes 0.00001.
gnomAD v4.1: 8 of 1,613,882 alleles (0.0005%); highest among the groups gnomAD compares: Admixed American, 0.005%; no homozygotes.

Submissions (2):

Labcorp Genetics (formerly Invitae), Labcorp
Classification: Uncertain significance for Charcot-Marie-Tooth disease type 4. Last evaluated: 2021-11-14. Review status: criteria provided, single submitter. Criteria: Invitae Variant Classification Sherloc (09022015). Collection method: clinical testing. Allele origin: germline.
Comment: Algorithms developed to predict the effect of missense changes on protein structure and function (SIFT, PolyPhen-2, Align-GVGD) all suggest that this variant is likely to be tolerated. ClinVar contains an entry for this variant (Variation ID: 436641). This variant has not been reported in the literature in individuals affected with SBF2-related conditions. This variant is present in population databases (no rsID available, gnomAD 0.006%). This sequence change replaces valine, which is neutral and non-polar, with alanine, which is neutral and non-polar, at codon 816 of the SBF2 protein (p.Val816Ala). In summary, the available evidence is currently insufficient to determine the role of this variant in disease. Therefore, it has been classified as a Variant of Uncertain Significance.

Genetic Services Laboratory, University of Chicago
Classification: Uncertain significance. Last evaluated: 2016-09-28. Review status: criteria provided, single submitter. Criteria: ACMG Guidelines, 2015. Collection method: clinical testing. Allele origin: germline. Affected: no.